The following is an entry in ClinVar:

NM_020975.6(RET):c.605T>C (p.Val202Ala)

Gene: RET (ret proto-oncogene; plus strand). Cytogenetic location: 10q11.21.
Variant type: single nucleotide variant.
Coding change: c.605T>C on transcript NM_020975.6 (MANE Select); coding-DNA position 605, T replaced by C.
Protein change: p.Val202Ala; replaces valine 202 with alanine.
Molecular consequence: missense variant. On other transcripts: intron variant (15).
Genome position (GRCh38, 1-based): chr10:43,102,609, T>C. VCF-style: chr10-43102609-T-C. GRCh37 (hg19) VCF-style: chr10-43598057-T-C.
Other names: c.605T>C, p.Val202Ala (NM_000323.2, NM_001406743.1, NM_001406744.1 and 16 more transcripts); c.476T>C, p.Val159Ala (NM_001406761.1, NM_001406762.1, NM_001406764.1 and 4 more transcripts); c.337+1887T>C (NM_001406770.1, NM_001406766.1, NM_001406767.1 and 8 more transcripts); c.74-6422T>C (NM_001406784.1); c.74-9490T>C (NM_001406794.1, NM_001406792.1, NM_001406793.1); short protein forms V159A, V202A.
Identifiers: ClinVar variation 3227563 (VCV003227563.1), dbSNP rs1194183394, ClinGen allele CA376543646.

ClinVar aggregate classification (germline): Uncertain significance (1 of 4 stars; one submission).

Conditions:
Hereditary cancer-predisposing syndrome. Also called: Neoplastic Syndromes, Hereditary; Tumor predisposition; Hereditary neoplastic syndrome; Hereditary Cancer Syndrome. Identifiers: Orphanet 140162, MedGen C0027672, MeSH D009386, MONDO:0015356.

Allele frequency attached by ClinVar (database versions not stated): gnomAD exomes below 0.00001.
gnomAD v4.1: 2 of 1,614,158 alleles (0.00012%); highest among the groups gnomAD compares: Admixed American, 0.0033%; no homozygotes.

Submission:

Ambry Genetics
Classification: Uncertain significance for Hereditary cancer-predisposing syndrome. Last evaluated: 2024-02-29. Review status: criteria provided, single submitter. Criteria: Ambry Variant Classification Scheme 2023. Collection method: clinical testing. Allele origin: germline.
Comment: The p.V202A variant (also known as c.605T>C), located in coding exon 3 of the RET gene, results from a T to C substitution at nucleotide position 605. The valine at codon 202 is replaced by alanine, an amino acid with similar properties. This amino acid position is conserved. In addition, this alteration is predicted to be tolerated by in silico analysis. Based on the available evidence, the clinical significance of this alteration remains unclear.